The following is an entry in ClinVar:

ClinVar aggregate classification (germline): Uncertain significance (1 of 4 stars; one submission).

Allele frequency attached by ClinVar (database versions not stated): gnomAD exomes below 0.00001; TOPMed below 0.00001; ExAC 0.00001; gnomAD 0.00001.
gnomAD v4.1: 8 of 1,614,074 alleles (0.0005%); highest among the groups gnomAD compares: South Asian, 0.0011%; no homozygotes.

Submission:

Labcorp Genetics (formerly Invitae), Labcorp
Classification: Uncertain significance. Last evaluated: 2025-05-01. Review status: criteria provided, single submitter. Criteria: Invitae Variant Classification Sherloc (09022015). Collection method: clinical testing. Allele origin: germline.
Comment: This sequence change replaces isoleucine, which is neutral and non-polar, with leucine, which is neutral and non-polar, at codon 556 of the GHR protein (p.Ile556Leu). This variant is present in population databases (rs370084477, gnomAD 0.01%). This variant has not been reported in the literature in individuals affected with GHR-related conditions. ClinVar contains an entry for this variant (Variation ID: 1518382). Invitae Evidence Modeling of protein sequence and biophysical properties (such as structural, functional, and spatial information, amino acid conservation, physicochemical variation, residue mobility, and thermodynamic stability) indicates that this missense variant is not expected to disrupt GHR protein function with a negative predictive value of 95%. In summary, the available evidence is currently insufficient to determine the role of this variant in disease. Therefore, it has been classified as a Variant of Uncertain Significance.

NM_000163.5(GHR):c.1666A>T (p.Ile556Leu)

Gene: GHR (growth hormone receptor; plus strand). Cytogenetic location: 5p12.
Variant type: single nucleotide variant.
Coding change: c.1666A>T on transcript NM_000163.5 (MANE Select); coding-DNA position 1666, A replaced by T.
Protein change: p.Ile556Leu; replaces isoleucine 556 with leucine.
Molecular consequence: missense variant. On other transcripts: 3 prime UTR variant (1).
Genome position (GRCh38, 1-based): chr5:42,719,173, A>T. VCF-style: chr5-42719173-A-T. GRCh37 (hg19) VCF-style: chr5-42719275-A-T.
Other names: c.1687A>T, p.Ile563Leu (NM_001242399.2); c.1666A>T, p.Ile556Leu (NM_001242400.2, NM_001242401.4, NM_001242402.2 and 4 more transcripts); c.1600A>T, p.Ile534Leu (NM_001242460.2); c.*708A>T (NM_001242462.1); short protein forms I534L, I563L, I556L.
Identifiers: ClinVar variation 1518382 (VCV001518382.5), dbSNP rs370084477, ClinGen allele CA3254689.